The following is an entry in ClinVar:

NM_004329.3(BMPR1A):c.-369C>G

Genes: BMPR1A (bone morphogenetic protein receptor type 1A; plus strand), LOC130004245 (ATAC-STARR-seq lymphoblastoid silent region 2573; plus strand). Cytogenetic location: 10q23.2.
Variant type: single nucleotide variant.
Coding change: c.-369C>G on transcript NM_004329.3 (MANE Select); 369 bases upstream of the start codon, C replaced by G.
Molecular consequence: 5 prime UTR variant. On other transcripts: non-coding transcript variant (3), intron variant (5).
Genome position (GRCh38, 1-based): chr10:86,756,818, C>G. VCF-style: chr10-86756818-C-G. GRCh37 (hg19) VCF-style: chr10-88516575-C-G.
Other names: c.-369C>G (NM_001406559.1, NM_001406560.1, NM_001406583.1 and 1 more transcripts); c.-474C>G (NM_001406561.1); c.-766C>G (NM_001406563.1); c.-629C>G (NM_001406565.1); c.-683C>G (NM_001406569.1); c.-498C>G (NM_001406570.1); c.-788C>G (NM_001406571.1); c.-718C>G (NM_001406572.1); and 20 more.
Identifiers: ClinVar variation 4993591 (VCV004993591.1).

ClinVar aggregate classification (germline): Likely benign (1 of 4 stars; one submission).

Conditions:
BMPR1A-related disorder. Also called: BMPR1A-related condition.

Submission:

PreventionGenetics, part of Exact Sciences
Classification: Likely benign for BMPR1A-related condition. Last evaluated: 2026-07-14. Review status: criteria provided, single submitter. Criteria: ACMG Guidelines, 2015. Collection method: clinical testing. Allele origin: germline.
Comment: This variant is classified as likely benign based on ACMG/AMP sequence variant interpretation guidelines (Richards et al. 2015 PMID: 25741868, with internal and published modifications).